The following is an entry in ClinVar:

ClinVar aggregate classification (germline): Uncertain significance. Review status: criteria provided, multiple submitters, no conflicts (2 of 4 stars). 2 submissions from 2 submitters: Uncertain significance (2). Last evaluated 2015-06-19.

Conditions:
Hypertrophic cardiomyopathy. Also called: HYPERTROPHIC MYOCARDIOPATHY. Identifiers: Orphanet 217569, MedGen C0007194, MeSH D002312, MONDO:0005045, HP:0001639.

gnomAD v4.1: 38 of 1,613,396 alleles (0.0024%); highest among the groups gnomAD compares: South Asian, 0.037%; no homozygotes.

Submissions (2):

Laboratory for Molecular Medicine, Mass General Brigham Personalized Medicine
Classification: Uncertain significance. Last evaluated: 2015-06-19. Review status: criteria provided, single submitter. Criteria: LMM Criteria. Collection method: clinical testing. Allele origin: germline. Observed: 1 variant allele.
Comment: Variant classified as Uncertain Significance - Favor Benign. The p.Thr3770Ala va riant in TTN has not been previously reported in individuals with cardiomyopathy , but has been identified in 9/16040 South Asian chromosomes by the Exome Aggreg ation Consortium (ExAC; dbSNP rs143093473). Comp utational prediction tools and conservation analysis suggest that this variant m ay not impact the protein and 2 fish species (coelacanth and spotted gar) carry an alanine (Ala) at this position, raising the possibility that this change may be tolerated; however, this information is not predictive enough to rule out pat hogenicity. In summary, while the clinical significance of the p.Thr3770Ala vari ant is uncertain, these data suggest that it is more likely to be benign.

Genetics and Genomics Program, Sidra Medicine
Classification: Uncertain significance for Hypertrophic cardiomyopathy. Review status: criteria provided, single submitter. Criteria: ACMG Guidelines, 2015. Collection method: research. Allele origin: unknown. Affected: yes. Observed: 1 variant allele.

NM_001267550.2(TTN):c.15040A>G (p.Thr5014Ala)

Gene: TTN (titin; minus strand). Cytogenetic location: 2q31.2.
Variant type: single nucleotide variant.
Coding change: c.15040A>G on transcript NM_001267550.2 (MANE Select); coding-DNA position 15040, A replaced by G.
Protein change: p.Thr5014Ala; replaces threonine 5014 with alanine.
Molecular consequence: missense variant. On other transcripts: intron variant (3).
Genome position (GRCh38, 1-based): chr2:178,734,884, T>C on the plus strand (A>G on the coding strand, the complement: TTN is on the minus strand). VCF-style: chr2-178734884-T-C. GRCh37 (hg19) VCF-style: chr2-179599611-T-C.
Other names: c.14089A>G, p.Thr4697Ala (NM_001256850.1); c.13282+3198A>G (NM_003319.4); c.13858+3198A>G (NM_133437.4); c.13657+3198A>G (NM_133432.3); c.11308A>G, p.Thr3770Ala (NM_133378.4); short protein forms T3770A, T5014A, T4697A.
Identifiers: ClinVar variation 229385 (VCV000229385.7), dbSNP rs143093473, ClinGen allele CA2002300.
Genomic context (GRCh38, chr2:178,734,884, plus strand): 5'-TGACAAAATACATTCGGACTGTGTTACTTTCACTGAGTTCTTTGTTATTTTTAAACCAAG[T>C]AACCTGGATCACAGGTGAGCCTTTCAGCTTGCAATGGAGGCGTGCTGATTCACCTGGGAG-3'
Protein context (NP_001254479.2, residues 5004-5024): KLKGSPVIQV[Thr5014Ala]WFKNNKELSE